The following is an entry in ClinVar:

ClinVar aggregate classification (germline): Likely benign (0 of 4 stars; one submission).

Conditions:
LEPR-related disorder. Also called: LEPR-related condition; LEPR-related disorders.

gnomAD v4.1: 1 of 1,614,154 alleles (0.000062%); highest among the groups gnomAD compares: Non-Finnish European, 0.000085%; no homozygotes.

Submission:

PreventionGenetics, part of Exact Sciences
Classification: Likely benign for LEPR-related condition. Last evaluated: 2024-03-15. Review status: no assertion criteria provided. Collection method: clinical testing. Allele origin: germline.
Comment: This variant is classified as likely benign based on ACMG/AMP sequence variant interpretation guidelines (Richards et al. 2015 PMID: 25741868, with internal and published modifications).

NM_002303.6(LEPR):c.1912+3C>T

Gene: LEPR (leptin receptor; plus strand). Cytogenetic location: 1p31.3.
Variant type: single nucleotide variant.
Coding change: c.1912+3C>T on transcript NM_002303.6 (MANE Select); 3 bases into the intron after coding-DNA position 1912, C replaced by T.
Molecular consequence: intron variant.
Genome position (GRCh38, 1-based): chr1:65,610,109, C>T. VCF-style: chr1-65610109-C-T. GRCh37 (hg19) VCF-style: chr1-66075792-C-T.
Other names: c.1912+3C>T (NM_001003679.3, NM_001003680.3, NM_001198689.2 and 2 more transcripts).
Identifiers: ClinVar variation 3349840 (VCV003349840.1).